The following is an entry in ClinVar:

NM_004447.6(EPS8):c.2058G>C (p.Gln686His)

Gene: EPS8 (EGFR pathway substrate 8, signaling adaptor; minus strand). Cytogenetic location: 12p12.3.
Variant type: single nucleotide variant.
Coding change: c.2058G>C on transcript NM_004447.6 (MANE Select); coding-DNA position 2058, G replaced by C.
Protein change: p.Gln686His; replaces glutamine 686 with histidine.
Molecular consequence: missense variant.
Genome position (GRCh38, 1-based): chr12:15,624,394, C>G on the plus strand (G>C on the coding strand, the complement: EPS8 is on the minus strand). VCF-style: chr12-15624394-C-G. GRCh37 (hg19) VCF-style: chr12-15777328-C-G.
Other names: short protein forms Q686H.
Identifiers: ClinVar variation 1254793 (VCV001254793.6), dbSNP rs375763286, ClinGen allele CA6467364.

ClinVar aggregate classification (germline): Uncertain significance. Review status: criteria provided, multiple submitters, no conflicts (2 of 4 stars). 2 submissions from 2 submitters: Uncertain significance (2). Last evaluated 2025-03-15.

Conditions:
Inborn genetic diseases. Identifiers: MedGen C0950123, MeSH D030342.

Allele frequency attached by ClinVar (database versions not stated): gnomAD exomes 0.00002 and 0.00006; ExAC 0.00003; ESP Exome Variant Server 0.00008; TOPMed 0.00011; gnomAD 0.00011 and 0.00013.
gnomAD v4.1: 47 of 1,563,104 alleles (0.003%); highest among the groups gnomAD compares: African/African-American, 0.049%; no homozygotes.

Submissions (2):

Ambry Genetics
Classification: Uncertain significance for Inborn genetic diseases. Last evaluated: 2025-03-15. Review status: criteria provided, single submitter. Criteria: Ambry Variant Classification Scheme 2023. Collection method: clinical testing. Allele origin: germline.

GeneDx
Classification: Uncertain significance. Last evaluated: 2021-08-24. Review status: criteria provided, single submitter. Criteria: GeneDx Variant Classification Process June 2021. Collection method: clinical testing. Allele origin: germline. Affected: yes.
Comment: In silico analysis supports that this missense variant does not alter protein structure/function; Has not been previously published as pathogenic or benign to our knowledge